The following is an entry in ClinVar:

ClinVar aggregate classification (germline): Benign. Review status: criteria provided, multiple submitters, no conflicts (2 of 4 stars). 2 submissions from 2 submitters: Benign (2). Last evaluated 2018-06-14.

Allele frequency attached by ClinVar (database versions not stated): gnomAD exomes 0.56136; gnomAD 0.57811 and 0.57986; TOPMed 0.59440; 1000 Genomes Project 0.61342; 1000 Genomes Project 30x 0.61415.
gnomAD v4.1: 412,994 of 730,072 alleles (57%); highest among the groups gnomAD compares: African/African-American, 65%; 118,362 homozygotes.

Submissions (2):

GeneDx
Classification: Benign. Last evaluated: 2018-06-14. Review status: criteria provided, single submitter. Criteria: GeneDx Variant Classification (06012015). Collection method: clinical testing. Allele origin: germline. Affected: yes.
Comment: This variant is considered likely benign or benign based on one or more of the following criteria: it is a conservative change, it occurs at a poorly conserved position in the protein, it is predicted to be benign by multiple in silico algorithms, and/or has population frequency not consistent with disease.

Breakthrough Genomics
Classification: Benign. Review status: criteria provided, single submitter. Criteria: ACMG Guidelines, 2015. Collection method: not provided. Allele origin: germline. Inheritance: Autosomal recessive inheritance. Affected: yes.

NM_014236.4(GNPAT):c.569-134A>G

Gene: GNPAT (glyceronephosphate O-acyltransferase; plus strand). Cytogenetic location: 1q42.2.
Variant type: single nucleotide variant.
Coding change: c.569-134A>G on transcript NM_014236.4 (MANE Select); 134 bases into the intron before coding-DNA position 569, A replaced by G.
Molecular consequence: intron variant.
Genome position (GRCh38, 1-based): chr1:231,265,159, A>G. VCF-style: chr1-231265159-A-G. GRCh37 (hg19) VCF-style: chr1-231400905-A-G.
Other names: c.386-134A>G (NM_001316350.2).
Identifiers: ClinVar variation 671168 (VCV000671168.2), dbSNP rs849714, ClinGen allele CA10705254.
Genomic context (GRCh38, chr1:231,265,159, plus strand): 5'-TCCCAGTACTTTGGGAGGCCGAGGCAGGAGGACTGCTTGAGGCCAGGAAGTTTGTGACCA[A>G]CCTAGCCAACATAGCGAGACCCTGTCTCATAAAATAAAATAATAAAATATAAATGAAAAA-3'